The following is an entry in ClinVar:

NM_004588.5(SCN2B):c.11A>T (p.Asp4Val)

Gene: SCN2B (sodium voltage-gated channel beta subunit 2; minus strand). Cytogenetic location: 11q23.3.
Variant type: single nucleotide variant.
Coding change: c.11A>T on transcript NM_004588.5 (MANE Select); coding-DNA position 11, A replaced by T.
Protein change: p.Asp4Val; replaces aspartic acid 4 with valine.
Molecular consequence: missense variant.
Genome position (GRCh38, 1-based): chr11:118,176,421, T>A on the plus strand (A>T on the coding strand, the complement: SCN2B is on the minus strand). VCF-style: chr11-118176421-T-A. GRCh37 (hg19) VCF-style: chr11-118047136-T-A.
Other names: short protein forms D4V.
Identifiers: ClinVar variation 4614922 (VCV004614922.1).

ClinVar aggregate classification (germline): Uncertain significance (1 of 4 stars; one submission).

Conditions:
Cardiovascular phenotype. Identifiers: MedGen CN230736.

gnomAD v4.1: 1 of 1,613,978 alleles (0.000062%); highest among the groups gnomAD compares: Non-Finnish European, 0.000085%; no homozygotes.

Submission:

Ambry Genetics
Classification: Uncertain significance for Cardiovascular phenotype. Last evaluated: 2025-11-04. Review status: criteria provided, single submitter. Criteria: Ambry Variant Classification Scheme 2023. Collection method: clinical testing. Allele origin: germline.
Comment: The p.D4V variant (also known as c.11A>T), located in coding exon 1 of the SCN2B gene, results from an A to T substitution at nucleotide position 11. The aspartic acid at codon 4 is replaced by valine, an amino acid with highly dissimilar properties. This amino acid position is conserved. In addition, the in silico prediction for this alteration is inconclusive. Based on the available evidence, the clinical significance of this variant remains unclear.